The following is an entry in ClinVar:

NM_001330260.2(SCN8A):c.1201T>C (p.Tyr401His)

Gene: SCN8A (sodium voltage-gated channel alpha subunit 8; plus strand). Cytogenetic location: 12q13.13.
Variant type: single nucleotide variant.
Coding change: c.1201T>C on transcript NM_001330260.2 (MANE Select); coding-DNA position 1201, T replaced by C.
Protein change: p.Tyr401His; replaces tyrosine 401 with histidine.
Molecular consequence: missense variant.
Genome position (GRCh38, 1-based): chr12:51,705,483, T>C. VCF-style: chr12-51705483-T-C. GRCh37 (hg19) VCF-style: chr12-52099267-T-C.
Other names: NM_001330260.2(SCN8A):c.1201T>C; p.Tyr401His; c.1201T>C, p.Tyr401His (NM_001177984.3, NM_001369788.1, NM_014191.4); c.1201T>C (NM_014191.2); short protein forms Y401H.
Identifiers: ClinVar variation 1514764 (VCV001514764.12), dbSNP rs2138748186, ClinGen allele CA385227782.

ClinVar aggregate classification (germline): Likely pathogenic. Review status: reviewed by expert panel (3 of 4 stars). 3 submissions from 3 submitters: Likely pathogenic (1). 2 of the submissions do not count toward it. Last evaluated 2025-09-23.

Conditions:
Complex neurodevelopmental disorder. Identifiers: Orphanet 528084, MedGen C5568766, MONDO:0100038.
Inborn genetic diseases. Identifiers: MedGen C0950123, MeSH D030342.
Early-infantile DEE. Also called: Ohtahara syndrome; Early infantile epileptic encephalopathy; Early infantile epileptic encephalopathy with suppression bursts. Identifiers: Orphanet 1934, MedGen C0393706, MONDO:0800491.

Submissions (3):

ClinGen Epilepsy Sodium Channel Variant Curation Expert Panel, Clingen
Classification: Likely pathogenic for Complex neurodevelopmental disorder. Last evaluated: 2025-09-23. Review status: reviewed by expert panel. Criteria: ClinGen EpilepsySCN ACMG Specifications SCN8A V2.0.0. Collection method: curation. Allele origin: germline. Inheritance: Autosomal dominant inheritance.
Comment: The c.1201T>C variant in SCN8A is a missense variant predicted to cause substitution of Tyrosine by Histidine at amino acid 401 (p.Tyr401His). This variant has been identified as a de novo occurrence with unconfirmed parental relationships in 1 individual with Complex Neurodevelopmental Disorder (PM6_supporting; PMID 30171078) and identified as a de novo with confirmed parental relationships in 1 individual with Complex Neurodevelopmental Disorder (PS2_moderate; internal case at Labcorp (formerly Invitae)). This variant has been reported in 1 additional case with Complex Neurodevelopmental Disorder (PS4_supporting; internal case at Ambry). This variant is absent from gnomAD v4.1.0 (PM2_supporting) and resides within a region of SCN8A that is defined as a mutational hotspot and/or critical functional domain by the ClinGen Epilepsy Sodium Channel VCEP (PM1). The computational predictor REVEL gives a score of 0.971, which is above the threshold of 0.773, evidence that correlates with impact to SCN8A function (PP3_moderate). In summary, this variant meets the criteria to be classified as likely pathogenic for autosomal dominant Complex Neurodevelopmental Disorder based on the ACMG/AMP criteria applied, as specified by the ClinGen Epilepsy Sodium Channel VCEP: PM1, PM6_supporting, PS2_moderate, PS4_supporting, PP3_moderate, PM2_supporting. (Version 2.0.0; approved 9/23/2025).

Ambry Genetics
Classification: Pathogenic for Inborn genetic diseases. Last evaluated: 2026-04-28. Review status: criteria provided, single submitter. Criteria: Ambry Variant Classification Scheme 2023. Collection method: clinical testing. Allele origin: germline. Not counted in ClinVar's aggregate classification.
Comment: The c.1201T>C (p.Y401H) alteration is located in exon 10 (coding exon 9) of the SCN8A gene. This alteration results from a T to C substitution at nucleotide position 1201, causing the tyrosine (Y) at amino acid position 401 to be replaced by a histidine (H). This variant was not reported in population-based cohorts in the Genome Aggregation Database (gnomAD). This variant was determined to be de novo in at least one individual with features consistent with SCN8A-related disorders (Gardella, 2018; NCBI ClinVar 2026). Add to reference list: National Center for Biotechnology Information. ClinVar; [VCV001514764.11], (accessed March 10, 2026). This amino acid position is highly conserved in available vertebrate species. This missense variant is located in a region that has a low rate of benign missense variation (Lek, 2016; Firth, 2009). This alteration is predicted to be deleterious by in silico analysis. Based on the available evidence, this alteration is classified as pathogenic.

Labcorp Genetics (formerly Invitae), Labcorp
Classification: Likely pathogenic for Early-infantile DEE. Last evaluated: 2022-07-06. Review status: criteria provided, single submitter. Criteria: Invitae Variant Classification Sherloc (09022015). Collection method: clinical testing. Allele origin: germline. Not counted in ClinVar's aggregate classification.
Comment: In summary, the currently available evidence indicates that the variant is pathogenic, but additional data are needed to prove that conclusively. Therefore, this variant has been classified as Likely Pathogenic. Algorithms developed to predict the effect of missense changes on protein structure and function are either unavailable or do not agree on the potential impact of this missense change (SIFT: "Deleterious"; PolyPhen-2: "Probably Damaging"; Align-GVGD: "Class C0"). ClinVar contains an entry for this variant (Variation ID: 1514764). This missense change has been observed in individual(s) with epileptic encephalopathy and/or SCN8A-related conditions (PMID: 30171078; Invitae). In at least one individual the variant was observed to be de novo. This variant is not present in population databases (gnomAD no frequency). This sequence change replaces tyrosine, which is neutral and polar, with histidine, which is basic and polar, at codon 401 of the SCN8A protein (p.Tyr401His).

Literature cited by the submitters: PubMed 30171078 (cited by Ambry Genetics and Labcorp Genetics (formerly Invitae), Labcorp).